The following is an entry in ClinVar:

ClinVar aggregate classification (germline): Benign/Likely benign. Review status: criteria provided, multiple submitters, no conflicts (2 of 4 stars). 3 submissions from 3 submitters: Benign (1); Likely benign (2). Last evaluated 2026-01-07.

Allele frequency attached by ClinVar (database versions not stated): ExAC 0.00021; gnomAD 0.00024 and 0.00026; gnomAD exomes 0.00024 and 0.00055; TOPMed 0.00033; ESP Exome Variant Server 0.00038.
gnomAD v4.1: 624 of 1,197,011 alleles (0.052%); highest among the groups gnomAD compares: Non-Finnish European, 0.068%; no homozygotes.

Submissions (3):

Labcorp Genetics (formerly Invitae), Labcorp
Classification: Benign. Last evaluated: 2026-01-07. Review status: criteria provided, single submitter. Criteria: Invitae Variant Classification Sherloc (09022015). Collection method: clinical testing. Allele origin: germline.

Blueprint Genetics
Classification: Likely benign. Last evaluated: 2024-09-12. Review status: criteria provided, single submitter. Criteria: ACMG Guidelines, 2015. Collection method: clinical testing. Allele origin: germline.

CeGaT Center for Human Genetics Tuebingen
Classification: Likely benign. Last evaluated: 2023-09-01. Review status: criteria provided, single submitter. Criteria: CeGaT Center For Human Genetics Tuebingen Variant Classification Criteria Version 2. Collection method: clinical testing. Allele origin: germline. Affected: yes. Observed: 1 variant allele.
Comment: NONO: BS2

NM_007363.5(NONO):c.1029-4G>C

Gene: NONO (non-POU domain containing octamer binding; plus strand). Cytogenetic location: Xq13.1.
Variant type: single nucleotide variant.
Coding change: c.1029-4G>C on transcript NM_007363.5 (MANE Select); 4 bases into the intron before coding-DNA position 1029, G replaced by C.
Molecular consequence: intron variant.
Genome position (GRCh38, 1-based): chrX:71,297,832, G>C. VCF-style: chrX-71297832-G-C. GRCh37 (hg19) VCF-style: chrX-70517682-G-C.
Other names: c.1029-4G>C (NM_001145408.2, NM_001145409.2); c.762-4G>C (NM_001145410.2).
Identifiers: ClinVar variation 726583 (VCV000726583.33), dbSNP rs200784440, ClinGen allele CA10446153.